The following is an entry in ClinVar:

ClinVar aggregate classification (germline): Uncertain significance. Review status: criteria provided, multiple submitters, no conflicts (2 of 4 stars). 3 submissions from 3 submitters: Uncertain significance (3). Last evaluated 2025-05-07.

Conditions:
Hereditary cancer-predisposing syndrome. Also called: Neoplastic Syndromes, Hereditary; Tumor predisposition; Hereditary Cancer Syndrome; Hereditary neoplastic syndrome. Identifiers: Orphanet 140162, MedGen C0027672, MeSH D009386, MONDO:0015356.
Renal cell carcinoma. Identifiers: Orphanet 217071, MedGen C0007134, MeSH D002292, MONDO:0005086, HP:0005584.

Allele frequency attached by ClinVar (database versions not stated): gnomAD 0.00001; gnomAD exomes 0.00001.
gnomAD v4.1: 20 of 1,612,654 alleles (0.0012%); highest among the groups gnomAD compares: Non-Finnish European, 0.0015%; no homozygotes.

Submissions (3):

Labcorp Genetics (formerly Invitae), Labcorp
Classification: Uncertain significance for Renal cell carcinoma. Last evaluated: 2025-05-07. Review status: criteria provided, single submitter. Criteria: Invitae Variant Classification Sherloc (09022015). Collection method: clinical testing. Allele origin: germline.
Comment: This sequence change replaces tyrosine, which is neutral and polar, with cysteine, which is neutral and slightly polar, at codon 566 of the MET protein (p.Tyr566Cys). This variant is present in population databases (no rsID available, gnomAD 0.007%). This variant has not been reported in the literature in individuals affected with MET-related conditions. ClinVar contains an entry for this variant (Variation ID: 819799). Invitae Evidence Modeling of protein sequence and biophysical properties (such as structural, functional, and spatial information, amino acid conservation, physicochemical variation, residue mobility, and thermodynamic stability) has been performed for this missense variant. However, the output from this modeling did not meet the statistical confidence thresholds required to predict the impact of this variant on MET protein function. In summary, the available evidence is currently insufficient to determine the role of this variant in disease. Therefore, it has been classified as a Variant of Uncertain Significance.

Ambry Genetics
Classification: Uncertain significance for Hereditary cancer-predisposing syndrome. Last evaluated: 2024-03-21. Review status: criteria provided, single submitter. Criteria: Ambry Variant Classification Scheme 2023. Collection method: clinical testing. Allele origin: germline.
Comment: The p.Y566C variant (also known as c.1697A>G), located in coding exon 4 of the MET gene, results from an A to G substitution at nucleotide position 1697. The tyrosine at codon 566 is replaced by cysteine, an amino acid with highly dissimilar properties. This amino acid position is well conserved in available vertebrate species. In addition, the in silico prediction for this alteration is inconclusive. Based on the available evidence, the clinical significance of this alteration remains unclear.

GeneDx
Classification: Uncertain significance. Last evaluated: 2023-07-03. Review status: criteria provided, single submitter. Criteria: GeneDx Variant Classification Process June 2021. Collection method: clinical testing. Allele origin: germline. Affected: yes.
Comment: Not observed at significant frequency in large population cohorts (gnomAD); In silico analysis supports that this missense variant does not alter protein structure/function; Has not been previously published as pathogenic or benign to our knowledge

NM_000245.4(MET):c.1697A>G (p.Tyr566Cys)

Gene: MET (MET proto-oncogene, receptor tyrosine kinase; plus strand). Cytogenetic location: 7q31.2.
Variant type: single nucleotide variant.
Coding change: c.1697A>G on transcript NM_000245.4 (MANE Select); coding-DNA position 1697, A replaced by G.
Protein change: p.Tyr566Cys; replaces tyrosine 566 with cysteine.
Molecular consequence: missense variant.
Genome position (GRCh38, 1-based): chr7:116,741,021, A>G. VCF-style: chr7-116741021-A-G. GRCh37 (hg19) VCF-style: chr7-116381075-A-G.
Other names: c.1697A>G, p.Tyr566Cys (NM_001127500.3, NM_001324401.3); c.407A>G, p.Tyr136Cys (NM_001324402.2); short protein forms Y566C, Y136C.
Identifiers: ClinVar variation 819799 (VCV000819799.12), dbSNP rs1445578353, ClinGen allele CA368975925.